The following is an entry in ClinVar:

ClinVar aggregate classification (germline): Uncertain significance. Review status: criteria provided, multiple submitters, no conflicts (2 of 4 stars). 2 submissions from 2 submitters: Uncertain significance (2). Last evaluated 2025-11-26.

Conditions:
Nephronophthisis 14 (NPHP14). Identifiers: Orphanet 2318, MedGen C3539071, MONDO:0013916, OMIM 614844.

Allele frequency attached by ClinVar (database versions not stated): gnomAD exomes 0.00002 and 0.00001; ExAC 0.00003; 1000 Genomes Project 30x 0.00016; TOPMed below 0.00001; gnomAD 0.00001; 1000 Genomes Project 0.00020.
gnomAD v4.1: 12 of 1,608,740 alleles (0.00075%); highest among the groups gnomAD compares: Non-Finnish European, 0.00085%; no homozygotes.

Submissions (2):

Ambry Genetics
Classification: Uncertain significance. Last evaluated: 2025-11-26. Review status: criteria provided, single submitter. Criteria: Ambry Variant Classification Scheme 2023. Collection method: clinical testing. Allele origin: germline.

Labcorp Genetics (formerly Invitae), Labcorp
Classification: Uncertain significance for Nephronophthisis 14. Last evaluated: 2021-09-15. Review status: criteria provided, single submitter. Criteria: Invitae Variant Classification Sherloc (09022015). Collection method: clinical testing. Allele origin: germline.
Comment: This sequence change replaces leucine with phenylalanine at codon 1146 of the ZNF423 protein (p.Leu1146Phe). The leucine residue is moderately conserved and there is a small physicochemical difference between leucine and phenylalanine. In summary, the available evidence is currently insufficient to determine the role of this variant in disease. Therefore, it has been classified as a Variant of Uncertain Significance. Algorithms developed to predict the effect of missense changes on protein structure and function are either unavailable or do not agree on the potential impact of this missense change (SIFT: "Deleterious"; PolyPhen-2: "Benign"; Align-GVGD: "Class C0"). This variant has not been reported in the literature in individuals affected with ZNF423-related conditions. This variant is present in population databases (rs200585157, ExAC 0.006%).

NM_001379286.1(ZNF423):c.3460C>T (p.Leu1154Phe)

Gene: ZNF423 (zinc finger protein 423; minus strand). Cytogenetic location: 16q12.1.
Variant type: single nucleotide variant.
Coding change: c.3460C>T on transcript NM_001379286.1 (MANE Select); coding-DNA position 3460, C replaced by T.
Protein change: p.Leu1154Phe; replaces leucine 1154 with phenylalanine.
Molecular consequence: missense variant.
Genome position (GRCh38, 1-based): chr16:49,635,716, G>A on the plus strand (C>T on the coding strand, the complement: ZNF423 is on the minus strand). VCF-style: chr16-49635716-G-A. GRCh37 (hg19) VCF-style: chr16-49669627-G-A.
Other names: c.3256C>T, p.Leu1086Phe (NM_001271620.2); c.3085C>T, p.Leu1029Phe (NM_001330533.2); c.3436C>T, p.Leu1146Phe (NM_015069.5); c.3436C>T (NM_015069.2); short protein forms L1086F, L1154F, L1029F, L1146F.
Identifiers: ClinVar variation 1524856 (VCV001524856.5), dbSNP rs200585157, ClinGen allele CA8046297.
Genomic context (GRCh38, chr16:49,635,716, plus strand): 5'-TTACCCGGGGCACTGGCGATGTCTGGGTGCCTTTCCGGGGCCCACTGGTCTCCGGCGTGA[G>A]GTCACGGTGGTCCACCTGCATGTGGCTCTCCAGGTCTTCGGCACTCTCAAACTTGACACT-3'
Protein context (NP_001366215.1, residues 1144-1164): ESHMQVDHRD[Leu1154Phe]TPETSGPRKG